The following is an entry in ClinVar:

ClinVar aggregate classification (germline): Pathogenic. Review status: criteria provided, multiple submitters, no conflicts (2 of 4 stars). 2 submissions from 2 submitters: Pathogenic (2). Last evaluated 2024-06-07.

Conditions:
Mucopolysaccharidosis, MPS-II (MPS2). Also called: Hunter Syndrome; Mucopolysaccharidosis with skin involvement; Mucopolysaccharidosis type 2; IDURONATE 2-SULFATASE DEFICIENCY; Mucopolysaccharidosis Type II; IDS deficiency. Identifiers: Orphanet 580, Orphanet 79388, MedGen C0026705, MONDO:0010674, OMIM 309900.

Submissions (2):

Laboratory of Diagnosis and Therapy of Lysosomal Disorders, University of Padova
Classification: Pathogenic for Mucopolysaccharidosis, MPS-II. Last evaluated: 2024-06-07. Review status: criteria provided, single submitter. Criteria: ACMG Guidelines, 2015. Collection method: literature only. Allele origin: germline. Affected: yes. Observed: 1 variant allele.
Comment: Null variant (PVS1_VeryStrong), Absent from controls (or at low frequency) in gnomAD database (PM2_Moderate), Patient’s phenotype or family history highly specific for the disease (PP4_Strong)

Classification method: ACMG Guidelines [PMID:25741868] with modifications

MOLECULAR BIOLOGY LABORATORY, INSTITUTO NACIONAL DE PEDIATRIA
Classification: Pathogenic for Mucopolysaccharidosis, MPS-II. Last evaluated: 2015-10-18. Review status: criteria provided, single submitter. Criteria: ACMG Guidelines, 2007. Collection method: research. Allele origin: de novo. Affected: yes. Observed: 1 variant allele.

Literature cited by the submitters: PubMed 26762690 (cited by Laboratory of Diagnosis and Therapy of Lysosomal Disorders, University of Padova and MOLECULAR BIOLOGY LABORATORY, INSTITUTO NACIONAL DE PEDIATRIA).

NM_000202.8(IDS):c.754_767del (p.Pro251_Asp252insTer)

Genes: IDS (iduronate 2-sulfatase; minus strand), LOC106050102 (IDS recombination region; plus strand). Cytogenetic location: Xq28.
Variant type: Deletion.
Coding change: c.754_767del on transcript NM_000202.8 (MANE Select); coding-DNA positions 754 to 767, 14 bases deleted (GATCCCGAGGTCCC).
Protein change: p.Pro251_Asp252insTer.
Molecular consequence: nonsense. On other transcripts: non-coding transcript variant (1).
Genome position (GRCh38, 1-based): chrX:149,496,458-149,496,471, GGGACCTCGGGATC deleted on the plus strand (GATCCCGAGGTCCC on the coding strand, the reverse complement: IDS is on the minus strand); deleting any 14 consecutive bases within chrX:149,496,458-149,496,474 gives the same sequence; the c. name uses the placement nearest the transcript's 3' end. VCF-style (leftmost placement, unchanged base first): chrX-149496457-AGGGACCTCGGGATC-A. GRCh37 (hg19) VCF-style: chrX-148577988-AGGGACCTCGGGATC-A.
Other names: c.484_497del, p.Pro161_Asp162insTer (NM_001166550.4); c.754_767del, p.Pro251_Asp252insTer (NM_006123.5).
Identifiers: ClinVar variation 221974 (VCV000221974.3), dbSNP rs869025305, ClinGen allele CA356945.